The following is an entry in ClinVar:

ClinVar aggregate classification (germline): Uncertain significance (1 of 4 stars; one submission).

Submission:

Labcorp Genetics (formerly Invitae), Labcorp
Classification: Uncertain significance. Last evaluated: 2022-02-05. Review status: criteria provided, single submitter. Criteria: Invitae Variant Classification Sherloc (09022015). Collection method: clinical testing. Allele origin: germline.
Comment: In summary, the available evidence is currently insufficient to determine the role of this variant in disease. Therefore, it has been classified as a Variant of Uncertain Significance. Variants that disrupt the consensus splice site are a relatively common cause of aberrant splicing (PMID: 17576681, 9536098). Experimental studies and prediction algorithms are not available or were not evaluated, and the effect of this variant on mRNA splicing is currently unknown. This variant has not been reported in the literature in individuals affected with CDH23-related conditions. This variant is not present in population databases (gnomAD no frequency). This sequence change falls in intron 26 of the CDH23 gene. It does not directly change the encoded amino acid sequence of the CDH23 protein. It affects a nucleotide within the consensus splice site.

Literature cited by the submitters: PubMed 17576681; PubMed 9536098.

NM_022124.6(CDH23):c.3106+6G>T

Gene: CDH23 (cadherin related 23; plus strand). Cytogenetic location: 10q22.1.
Variant type: single nucleotide variant.
Coding change: c.3106+6G>T on transcript NM_022124.6 (MANE Select); 6 bases into the intron after coding-DNA position 3106, G replaced by T.
Molecular consequence: intron variant. On other transcripts: missense variant (1).
Genome position (GRCh38, 1-based): chr10:71,707,055, G>T. VCF-style: chr10-71707055-G-T. GRCh37 (hg19) VCF-style: chr10-73466812-G-T.
Other names: c.3112G>T, p.Ala1038Ser (NM_001171931.2); c.3106+6G>T (NM_001171930.2); short protein forms A1038S.
Identifiers: ClinVar variation 1427518 (VCV001427518.6), dbSNP rs998460900, ClinGen allele CA377141764.